The following is an entry in ClinVar:

NM_001130438.3(SPTAN1):c.6119A>G (p.Asn2040Ser)

Gene: SPTAN1 (spectrin alpha, non-erythrocytic 1; plus strand). Cytogenetic location: 9q34.11.
Variant type: single nucleotide variant.
Coding change: c.6119A>G on transcript NM_001130438.3 (MANE Select); coding-DNA position 6119, A replaced by G.
Protein change: p.Asn2040Ser; replaces asparagine 2040 with serine.
Molecular consequence: missense variant.
Genome position (GRCh38, 1-based): chr9:128,625,818, A>G. VCF-style: chr9-128625818-A-G. GRCh37 (hg19) VCF-style: chr9-131388097-A-G.
Other names: c.6044A>G, p.Asn2015Ser (NM_001195532.2); c.6119A>G, p.Asn2040Ser (NM_001363759.2, NM_001375310.1, NM_001375311.2 and 1 more transcripts); c.6059A>G, p.Asn2020Ser (NM_001363765.2, NM_001375314.2); c.6155A>G, p.Asn2052Ser (NM_001375312.2, NM_001375318.1); c.6104A>G, p.Asn2035Ser (NM_003127.4); short protein forms N2015S, N2020S, N2035S, N2040S, N2052S.
Identifiers: ClinVar variation 3338736 (VCV003338736.1).

ClinVar aggregate classification (germline): Uncertain significance (1 of 4 stars; one submission).

Submission:

GeneDx
Classification: Uncertain significance. Last evaluated: 2023-06-24. Review status: criteria provided, single submitter. Criteria: GeneDx Variant Classification Process June 2021. Collection method: clinical testing. Allele origin: germline. Affected: yes.
Comment: Not observed at significant frequency in large population cohorts (gnomAD); In silico analysis supports that this missense variant does not alter protein structure/function; Has not been previously published as pathogenic or benign to our knowledge